The following is an entry in ClinVar:

NM_020964.3(EPG5):c.5981C>T (p.Thr1994Ile)

Gene: EPG5 (ectopic P-granules 5 autophagy tethering factor; minus strand). Cytogenetic location: 18q12.3.
Variant type: single nucleotide variant.
Coding change: c.5981C>T on transcript NM_020964.3 (MANE Select); coding-DNA position 5981, C replaced by T.
Protein change: p.Thr1994Ile; replaces threonine 1994 with isoleucine.
Molecular consequence: missense variant.
Genome position (GRCh38, 1-based): chr18:45,876,304, G>A on the plus strand (C>T on the coding strand, the complement: EPG5 is on the minus strand). VCF-style: chr18-45876304-G-A. GRCh37 (hg19) VCF-style: chr18-43456269-G-A.
Other names: c.5981C>T, p.Thr1994Ile (LRG_1234t1); short protein forms T1994I.
Identifiers: ClinVar variation 577295 (VCV000577295.9), dbSNP rs777008903, ClinGen allele CA8948413.

ClinVar aggregate classification (germline): Uncertain significance. Review status: criteria provided, multiple submitters, no conflicts (2 of 4 stars). 2 submissions from 2 submitters: Uncertain significance (2). Last evaluated 2026-01-26.

Conditions:
Inborn genetic diseases. Identifiers: MedGen C0950123, MeSH D030342.
Vici syndrome (VICIS). Identifiers: Orphanet 1493, MedGen C1855772, MONDO:0009452, OMIM 242840.

Allele frequency attached by ClinVar (database versions not stated): gnomAD exomes 0.00006 and 0.00004; TOPMed 0.00003; gnomAD 0.00004; ExAC 0.00006.
gnomAD v4.1: 59 of 1,613,924 alleles (0.0037%); highest among the groups gnomAD compares: Non-Finnish European, 0.0047%; no homozygotes.

Submissions (2):

Labcorp Genetics (formerly Invitae), Labcorp
Classification: Uncertain significance for Vici syndrome. Last evaluated: 2026-01-26. Review status: criteria provided, single submitter. Criteria: Invitae Variant Classification Sherloc (09022015). Collection method: clinical testing. Allele origin: germline.
Comment: This sequence change replaces threonine, which is neutral and polar, with isoleucine, which is neutral and non-polar, at codon 1994 of the EPG5 protein (p.Thr1994Ile). This variant is present in population databases (rs777008903, gnomAD 0.01%). This variant has not been reported in the literature in individuals affected with EPG5-related conditions. ClinVar contains an entry for this variant (Variation ID: 577295). Invitae Evidence Modeling of protein sequence and biophysical properties (such as structural, functional, and spatial information, amino acid conservation, physicochemical variation, residue mobility, and thermodynamic stability) indicates that this missense variant is not expected to disrupt EPG5 protein function with a negative predictive value of 80%. In summary, the available evidence is currently insufficient to determine the role of this variant in disease. Therefore, it has been classified as a Variant of Uncertain Significance.

Ambry Genetics
Classification: Uncertain significance for Inborn genetic diseases. Last evaluated: 2025-08-20. Review status: criteria provided, single submitter. Criteria: Ambry Variant Classification Scheme 2023. Collection method: clinical testing. Allele origin: germline.